The following is an entry in ClinVar:

NM_001110556.2(FLNA):c.4281del (p.Tyr1428fs)

Gene: FLNA (filamin A; minus strand). Cytogenetic location: Xq28.
Variant type: Deletion.
Coding change: c.4281del on transcript NM_001110556.2 (MANE Select); coding-DNA position 4281, one base deleted (C; older notation c.4281delC).
Protein change: p.Tyr1428fs; shifts the reading frame from tyrosine 1428.
Molecular consequence: frameshift variant.
Genome position (GRCh38, 1-based): chrX:154,359,268, G deleted on the plus strand (C on the coding strand, the reverse complement: FLNA is on the minus strand); the first of 2 consecutive G bases (chrX:154,359,268-154,359,269); deleting either gives the same sequence. VCF-style (leftmost placement, unchanged base first): chrX-154359267-AG-A. GRCh37 (hg19) VCF-style: chrX-153587635-AG-A.
Other names: c.4281del, p.Tyr1428fs (NM_001456.4); short protein forms Y1428fs.
Identifiers: ClinVar variation 1456389 (VCV001456389.6), dbSNP rs2148111202, ClinGen allele CA2573159413.

ClinVar aggregate classification (germline): Pathogenic (1 of 4 stars; one submission).

Conditions:
Melnick-Needles syndrome (MNS). Also called: MELNICK-NEEDLES OSTEODYSPLASTY; Melnick-Needles Syndrome (FLNA-MNS); OSTEODYSPLASTY OF MELNICK AND NEEDLES. Identifiers: Orphanet 2484, MedGen C0025237, MONDO:0010650, OMIM 309350.
Frontometaphyseal dysplasia (FMD1). Identifiers: Orphanet 1826, MedGen C0265293, MONDO:0015942.
Heterotopia, periventricular, X-linked dominant (PVNH1). Also called: PERIVENTRICULAR NODULAR HETEROTOPIA 1; X-linked periventricular heterotopia; PERIVENTRICULAR NODULAR HETEROTOPIA 4; HETEROTOPIA, PERIVENTRICULAR, 1. Identifiers: Orphanet 2149, Orphanet 82004, MedGen C1848213, MONDO:0010233, OMIM 300049.
Oto-palato-digital syndrome, type II (OPD2). Also called: FACIOPALATOOSSEOUS SYNDROME; Otopalatodigital Syndrome Type 2 (FLNA-OPD2); OPD II SYNDROME; Otopalatodigital Syndrome, Type II. Identifiers: Orphanet 669, Orphanet 90652, MedGen C1844696, MONDO:0010571, OMIM 304120.

Submission:

Labcorp Genetics (formerly Invitae), Labcorp
Classification: Pathogenic for Oto-palato-digital syndrome, type II; Heterotopia, periventricular, X-linked dominant; Frontometaphyseal dysplasia; Melnick-Needles syndrome. Last evaluated: 2021-10-04. Review status: criteria provided, single submitter. Criteria: Invitae Variant Classification Sherloc (09022015). Collection method: clinical testing. Allele origin: germline.
Comment: This sequence change creates a premature translational stop signal (p.Tyr1428Metfs*18) in the FLNA gene. It is expected to result in an absent or disrupted protein product. Loss-of-function variants in FLNA are known to be pathogenic (PMID: 16684786, 20730588, 26471271). This variant is not present in population databases (ExAC no frequency). This variant has not been reported in the literature in individuals affected with FLNA-related conditions. For these reasons, this variant has been classified as Pathogenic.

Literature cited by the submitters: PubMed 16684786; PubMed 20730588; PubMed 26471271.